The following is an entry in ClinVar:

NM_153460.4(IL17RC):c.563C>A (p.Thr188Lys)

Gene: IL17RC (interleukin 17 receptor C; plus strand). Cytogenetic location: 3p25.3.
Variant type: single nucleotide variant.
Coding change: c.563C>A on transcript NM_153460.4 (MANE Select); coding-DNA position 563, C replaced by A.
Protein change: p.Thr188Lys; replaces threonine 188 with lysine.
Molecular consequence: missense variant. On other transcripts: non-coding transcript variant (1).
Genome position (GRCh38, 1-based): chr3:9,920,588, C>A. VCF-style: chr3-9920588-C-A. GRCh37 (hg19) VCF-style: chr3-9962272-C-A.
Other names: c.563C>A, p.Thr188Lys (NM_001203263.2, NM_001203264.2, NM_001203265.2 and 4 more transcripts); c.488C>A, p.Thr163Lys (NM_001367279.1); c.776C>A, p.Thr259Lys (NM_153461.4); short protein forms T163K, T188K, T259K.
Identifiers: ClinVar variation 1713860 (VCV001713860.5), dbSNP rs2083456064, ClinGen allele CA351757414.

ClinVar aggregate classification (germline): Uncertain significance (1 of 4 stars; one submission).

Conditions:
Candidiasis, familial, 9 (CANDF9). Identifiers: Orphanet 1334, MedGen C4225324, MONDO:0014642, OMIM 616445.

Submission:

Labcorp Genetics (formerly Invitae), Labcorp
Classification: Uncertain significance for Candidiasis, familial, 9. Last evaluated: 2022-07-26. Review status: criteria provided, single submitter. Criteria: Invitae Variant Classification Sherloc (09022015). Collection method: clinical testing. Allele origin: germline.
Comment: This sequence change replaces threonine, which is neutral and polar, with lysine, which is basic and polar, at codon 259 of the IL17RC protein (p.Thr259Lys). This variant is not present in population databases (gnomAD no frequency). This variant has not been reported in the literature in individuals affected with IL17RC-related conditions. Algorithms developed to predict the effect of missense changes on protein structure and function are either unavailable or do not agree on the potential impact of this missense change (SIFT: "Deleterious"; PolyPhen-2: "Benign"; Align-GVGD: "Class C0"). In summary, the available evidence is currently insufficient to determine the role of this variant in disease. Therefore, it has been classified as a Variant of Uncertain Significance.